The following is an entry in ClinVar:

ClinVar aggregate classification (germline): Pathogenic (1 of 4 stars; one submission).

Conditions:
Familial adenomatous polyposis 1 (FAP1). Also called: POLYPOSIS, ADENOMATOUS INTESTINAL; FAMILIAL ADENOMATOUS POLYPOSIS 1, ATTENUATED. Identifiers: MedGen C2713442, MONDO:0021056, OMIM 175100. Disease mechanism: loss of function.

Submission:

Labcorp Genetics (formerly Invitae), Labcorp
Classification: Pathogenic for Familial adenomatous polyposis 1. Last evaluated: 2021-03-12. Review status: criteria provided, single submitter. Criteria: Invitae Variant Classification Sherloc (09022015). Collection method: clinical testing. Allele origin: germline.
Comment: This sequence change creates a premature translational stop signal (p.Pro1609Glnfs*41) in the APC gene. While this is not anticipated to result in nonsense mediated decay, it is expected to disrupt the last 1235 amino acid(s) of the APC protein. This variant is not present in population databases (ExAC no frequency). This variant has been observed in individual(s) with familial adenomatous polyposis (PMID: 20685668). This variant is expected to disrupt the EB1 and HDLG binding sites, which mediate interactions with the cytoskeleton (PMID: 15311282, 17293347). While functional studies have not been performed to directly test the effect on APC protein function, this suggests that disruption of the C-terminal portion of the protein is functionally important. For these reasons, this variant has been classified as Pathogenic. A different truncation (p.Tyr2645Lysfs*14) that lies downstream of this variant has been determined to be pathogenic (PMID: 9824584, 1316610, 27081525, 8381579, 22135120, Invitae). This suggests that deletion of this region of the APC protein is causative of disease.

Literature cited by the submitters: PubMed 20685668; PubMed 15311282; PubMed 17293347; PubMed 9824584; PubMed 1316610; PubMed 27081525; PubMed 8381579; PubMed 22135120.

NM_000038.6(APC):c.4826del (p.Pro1609fs)

Gene: APC (APC regulator of Wnt signaling pathway; plus strand). Cytogenetic location: 5q22.2.
Variant type: Deletion.
Coding change: c.4826del on transcript NM_000038.6 (MANE Select); coding-DNA position 4826, one base deleted (C; older notation c.4826delC).
Protein change: p.Pro1609fs; shifts the reading frame from proline 1609.
Molecular consequence: frameshift variant.
Genome position (GRCh38, 1-based): chr5:112,840,420, C deleted; the last of 2 consecutive C bases (chr5:112,840,419-112,840,420); deleting either gives the same sequence. VCF-style (leftmost placement, unchanged base first): chr5-112840418-AC-A. GRCh37 (hg19) VCF-style: chr5-112176115-AC-A.
Other names: c.4826del, p.Pro1609fs (NM_001127510.3, NM_001354895.2); c.4772del, p.Pro1591fs (NM_001127511.3); c.4880del, p.Pro1627fs (NM_001354896.2); c.4856del, p.Pro1619fs (NM_001354897.2); c.4751del, p.Pro1584fs (NM_001354898.2); c.4742del, p.Pro1581fs (NM_001354899.2); c.4703del, p.Pro1568fs (NM_001354900.2); c.4649del, p.Pro1550fs (NM_001354901.2); and 5 more; short protein forms P1550fs, P1619fs, P1483fs, P1326fs, P1568fs, P1584fs, P1591fs, P1627fs.
Identifiers: ClinVar variation 1458233 (VCV001458233.8), dbSNP rs2149924804, ClinGen allele CA658760787.